The following is an entry in ClinVar:

NM_000297.4(PKD2):c.2050_2053del (p.Tyr684fs)

Gene: PKD2 (polycystin 2, transient receptor potential cation channel; plus strand). Cytogenetic location: 4q22.1.
Variant type: Microsatellite.
Coding change: c.2050_2053del on transcript NM_000297.4 (MANE Select); coding-DNA positions 2050 to 2053, 4 bases deleted (TACT; older notation c.2050_2053delTACT).
Protein change: p.Tyr684fs; shifts the reading frame from tyrosine 684.
Molecular consequence: frameshift variant. On other transcripts: non-coding transcript variant (1).
Genome position (GRCh38, 1-based): chr4:88,061,936-88,061,939, TACT deleted; deleting any 4 consecutive bases within chr4:88,061,932-88,061,939 gives the same sequence; the c. name uses the placement nearest the transcript's 3' end. VCF-style (leftmost placement, unchanged base first): chr4-88061931-ATACT-A. GRCh37 (hg19) VCF-style: chr4-88983083-ATACT-A.
Other names: c.2050_2053del (NM_000297.3); short protein forms Y684fs.
Identifiers: ClinVar variation 1710374 (VCV001710374.11), dbSNP rs2475970181, ClinGen allele CA2580616118.

ClinVar aggregate classification (germline): Pathogenic. Review status: criteria provided, multiple submitters, no conflicts (2 of 4 stars). 6 submissions from 6 submitters: Pathogenic (6). Last evaluated 2026-07-07.

Conditions:
Polycystic kidney disease 2 (PKD2). Also called: Polycystic Kidney Disease 2, Autosomal Dominant; POLYCYSTIC KIDNEY DISEASE 2 WITH OR WITHOUT POLYCYSTIC LIVER DISEASE; POLYCYSTIC KIDNEY DISEASE, ADULT, TYPE II. Identifiers: MedGen C2751306, MONDO:0013131, OMIM 613095.

Submissions (6):

Medgenome Labs Ltd
Classification: Pathogenic for Polycystic kidney disease 2. Last evaluated: 2026-07-07. Review status: criteria provided, single submitter. Criteria: ACMG Guidelines, 2015. Collection method: clinical testing. Allele origin: germline. Affected: yes.

GeneDx
Classification: Pathogenic. Last evaluated: 2025-10-13. Review status: criteria provided, single submitter. Criteria: GeneDx Variant Classification Process June 2021. Collection method: clinical testing. Allele origin: germline. Affected: yes.
Comment: Frameshift variant predicted to result in protein truncation or nonsense mediated decay in a gene for which loss of function is a known mechanism of disease; Not observed at significant frequency in large population cohorts (gnomAD); This variant is associated with the following publications: (PMID: 11968093, 19194729, 22508176)

Institute of Medical Genetics and Applied Genomics, University Hospital Tübingen
Classification: Pathogenic for Polycystic kidney disease 2. Last evaluated: 2023-10-24. Review status: criteria provided, single submitter. Criteria: ACMG Guidelines, 2015. Collection method: clinical testing. Allele origin: germline. Inheritance: Autosomal dominant inheritance. Affected: yes.

Greenwood Genetic Center Diagnostic Laboratories, Greenwood Genetic Center
Classification: Pathogenic for Polycystic kidney disease 2. Last evaluated: 2022-08-24. Review status: criteria provided, single submitter. Criteria: ACMG Guidelines, 2015. Collection method: clinical testing. Allele origin: germline. Affected: yes.
Comment: PVS1 PM3 PS4_Supporting

Department of Pathology and Laboratory Medicine, Sinai Health System
Classification: Pathogenic for Polycystic kidney disease 2. Last evaluated: 2020-09-03. Review status: criteria provided, single submitter. Criteria: ACMG Guidelines, 2015. Collection method: clinical testing. Allele origin: germline. Affected: yes.

Juno Genomics, Hangzhou Juno Genomics, Inc
Classification: Pathogenic for Polycystic kidney disease 2. Review status: criteria provided, single submitter. Criteria: ACMG Guidelines, 2015. Collection method: clinical testing. Allele origin: germline.
Comment: Absent from controls (or at extremely low frequency if recessive) in Genome Aggregation Database.;Null variant in a gene where loss of function (LOF) is a known mechanism of disease.;The prevalence of the variant in affected individuals is significantly increased compared to the prevalence in controls.;Patient's phenotype or family history is highly specific for a disease with a single genetic etiology.

Literature cited by the submitters: PubMed 11968093 (cited by Department of Pathology and Laboratory Medicine, Sinai Health System); PubMed 22508176 (cited by Department of Pathology and Laboratory Medicine, Sinai Health System).